The following is an entry in ClinVar:

NM_020631.6(PLEKHG5):c.2165_2170dup (p.Glu723_Gly724insGluGlu)

Gene: PLEKHG5 (pleckstrin homology and RhoGEF domain containing G5; minus strand). Cytogenetic location: 1p36.31.
Variant type: Duplication.
Coding change: c.2165_2170dup on transcript NM_020631.6 (MANE Select); coding-DNA positions 2165 to 2170, 6 bases duplicated (AGGAAG; older notation c.2165_2170dupAGGAAG).
Protein change: p.Glu723_Gly724insGluGlu.
Molecular consequence: inframe insertion. On other transcripts: inframe indel (5).
Genome position (GRCh38, 1-based): chr1:6,469,121-6,469,126, CTTCCT duplicated on the plus strand (AGGAAG on the coding strand, the reverse complement: PLEKHG5 is on the minus strand); duplicating any 6 consecutive bases within chr1:6,469,121-6,469,127 gives the same sequence; the c. name uses the placement nearest the transcript's 3' end. VCF-style (leftmost placement, unchanged base first): chr1-6469120-C-CCTTCCT. GRCh37 (hg19) VCF-style: chr1-6529180-C-CCTTCCT.
Other names: c.2276_2281dup, p.Glu760_Gly761insGluGlu (NM_001042663.3, NM_001265592.2); c.2164_2169dup, p.Glu723_Gly724insGluGlu (NM_001042664.2, NM_001042665.2, NM_001265594.3); c.2371_2376dup, p.Glu792_Gly793insGluGlu (NM_001265593.2); c.2165_2170dup, p.Glu723_Gly724insGluGlu (NM_198681.4); c.2165_2170dupAGGAAG (NM_020631.3).
Identifiers: ClinVar variation 1376982 (VCV001376982.8), dbSNP rs960528373, ClinGen allele CA17234799.
Genomic context (GRCh38, chr1:6,469,120, plus strand): 5'-CTGCCGCTGCTTTTCCGCATGATGGTAGGGGAGCTGGCAGCTGAAGTGCCACTGTCCTCG[C>CCTTCCT]CTTCCTCCTCCTCCTCCTCCTCCTCCTCTTCCTCCTCCTGCTCATCCTCCTCCTCTTCCA-3'

ClinVar aggregate classification (germline): Uncertain significance. Review status: criteria provided, multiple submitters, no conflicts (2 of 4 stars). 2 submissions from 2 submitters: Uncertain significance (2). Last evaluated 2025-01-06.

Conditions:
Charcot-Marie-Tooth disease recessive intermediate C. Also called: CHARCOT-MARIE-TOOTH NEUROPATHY, RECESSIVE INTERMEDIATE C. Identifiers: Orphanet 369867, MedGen C3809309, MONDO:0014154, OMIM 615376.
Neuronopathy, distal hereditary motor, autosomal recessive 4. Also called: NEUROPATHY, DISTAL HEREDITARY MOTOR, AUTOSOMAL RECESSIVE 4; Autosomal recessive lower motor neuron disease with childhood onset. Identifiers: Orphanet 206580, MedGen C1970211, MONDO:0012608, OMIM 611067.
Inborn genetic diseases. Identifiers: MedGen C0950123, MeSH D030342.

Submissions (2):

Labcorp Genetics (formerly Invitae), Labcorp
Classification: Uncertain significance for Neuronopathy, distal hereditary motor, autosomal recessive 4; Charcot-Marie-Tooth disease recessive intermediate C. Last evaluated: 2025-01-06. Review status: criteria provided, single submitter. Criteria: Invitae Variant Classification Sherloc (09022015). Collection method: clinical testing. Allele origin: germline.
Comment: This variant, c.2165_2170dup, results in the insertion of 2 amino acid(s) of the PLEKHG5 protein (p.Glu722_Glu723dup), but otherwise preserves the integrity of the reading frame. This variant is not present in population databases (gnomAD no frequency). This variant has not been reported in the literature in individuals affected with PLEKHG5-related conditions. ClinVar contains an entry for this variant (Variation ID: 1376982). Experimental studies and prediction algorithms are not available or were not evaluated, and the functional significance of this variant is currently unknown. In summary, the available evidence is currently insufficient to determine the role of this variant in disease. Therefore, it has been classified as a Variant of Uncertain Significance.

Ambry Genetics
Classification: Uncertain significance for Inborn genetic diseases. Last evaluated: 2019-12-19. Review status: criteria provided, single submitter. Criteria: Ambry Variant Classification Scheme 2023. Collection method: clinical testing. Allele origin: germline.
Comment: The c.2165_2170dupAGGAAG variant (also known as p.E722_E723dup), located in coding exon 18 of the PLEKHG5 gene, results from an in-frame duplication of AGGAAG at nucleotide positions 2165 to 2170. This results in the duplication of 2 extra residues (EE) between codons 722 and 723. These amino acid positions are poorly conserved in available vertebrate species. In addition, this alteration is predicted to be neutral by in silico analysis (Choi Y et al. PLoS ONE. 2012; 7(10):e46688). Since supporting evidence is limited at this time, the clinical significance of this alteration remains unclear.